The following is an entry in ClinVar:

NM_002397.5(MEF2C):c.402+75G>T

Gene: MEF2C (myocyte enhancer factor 2C; minus strand). Cytogenetic location: 5q14.3.
Variant type: single nucleotide variant.
Coding change: c.402+75G>T on transcript NM_002397.5 (MANE Select); 75 bases into the intron after coding-DNA position 402, G replaced by T.
Molecular consequence: intron variant. On other transcripts: nonsense (5).
Genome position (GRCh38, 1-based): chr5:88,761,110, C>A on the plus strand (G>T on the coding strand, the complement: MEF2C is on the minus strand). VCF-style: chr5-88761110-C-A. GRCh37 (hg19) VCF-style: chr5-88056927-C-A.
Other names: c.274G>T, p.Glu92Ter (NM_001131005.2, NM_001364343.2, NM_001364352.2); c.334G>T, p.Glu112Ter (NM_001193347.1, NM_001364338.2); c.402+75G>T (NM_001364329.2, NM_001364330.2, NM_001364333.2 and 18 more transcripts); c.259-9067G>T (NM_001364344.2, NM_001364354.2, NM_001364332.2 and 3 more transcripts); c.24+75G>T (NM_001364353.2, NM_001364356.2); c.-24-9067G>T (NM_001364357.2); short protein forms E92*, E112*.
Identifiers: ClinVar variation 378130 (VCV000378130.25), dbSNP rs997329230, ClinGen allele CA16604937.

ClinVar aggregate classification (germline): Conflicting classifications of pathogenicity. Review status: criteria provided, conflicting classifications (1 of 4 stars). 2 submissions from 2 submitters: Uncertain significance (1); Likely benign (1). Last evaluated 2022-12-01.

Allele frequency attached by ClinVar (database versions not stated): gnomAD 0.00001; gnomAD exomes 0.00001; TOPMed 0.00002.
gnomAD v4.1: 12 of 1,613,808 alleles (0.00074%); highest among the groups gnomAD compares: Admixed American, 0.0017%; no homozygotes.

Submissions (2):

CeGaT Center for Human Genetics Tuebingen
Classification: Uncertain significance. Last evaluated: 2022-12-01. Review status: criteria provided, single submitter. Criteria: CeGaT Center For Human Genetics Tuebingen Variant Classification Criteria Version 2. Collection method: clinical testing. Allele origin: germline. Affected: yes. Observed: 1 variant allele.
Comment: MEF2C: PM2

GeneDx
Classification: Likely benign. Last evaluated: 2015-03-25. Review status: criteria provided, single submitter. Criteria: GeneDx Variant Classification (06012015). Collection method: clinical testing. Allele origin: germline. Affected: yes.
Comment: This variant is considered likely benign or benign based on one or more of the following criteria: it is a conservative change, it occurs at a poorly conserved position in the protein, it is predicted to be benign by multiple in silico algorithms, and/or has population frequency not consistent with disease.